The following is an entry in ClinVar:

NM_001083926.2(ASRGL1):c.889A>G (p.Ile297Val)

Gene: ASRGL1 (asparaginase and isoaspartyl peptidase 1; plus strand). Cytogenetic location: 11q12.3.
Variant type: single nucleotide variant.
Coding change: c.889A>G on transcript NM_001083926.2 (MANE Select); coding-DNA position 889, A replaced by G.
Protein change: p.Ile297Val; replaces isoleucine 297 with valine.
Molecular consequence: missense variant.
Genome position (GRCh38, 1-based): chr11:62,392,246, A>G. VCF-style: chr11-62392246-A-G. GRCh37 (hg19) VCF-style: chr11-62159718-A-G.
Other names: c.889A>G, p.Ile297Val (NM_025080.4); short protein forms I297V.
Identifiers: ClinVar variation 965891 (VCV000965891.9), dbSNP rs1947358191, ClinGen allele CA380871896.

ClinVar aggregate classification (germline): Uncertain significance (1 of 4 stars; one submission).

Submission:

Labcorp Genetics (formerly Invitae), Labcorp
Classification: Uncertain significance. Last evaluated: 2019-10-21. Review status: criteria provided, single submitter. Criteria: Invitae Variant Classification Sherloc (09022015). Collection method: clinical testing. Allele origin: germline.
Comment: In summary, the available evidence is currently insufficient to determine the role of this variant in disease. Therefore, it has been classified as a Variant of Uncertain Significance. Algorithms developed to predict the effect of missense changes on protein structure and function output the following: SIFT: "Tolerated"; PolyPhen-2: "Benign"; Align-GVGD: "Class C0". The valine amino acid residue is found in multiple mammalian species, suggesting that this missense change does not adversely affect protein function. These predictions have not been confirmed by published functional studies and their clinical significance is uncertain. This variant has not been reported in the literature in individuals with ASRGL1-related conditions. This variant is not present in population databases (ExAC no frequency). This sequence change replaces isoleucine with valine at codon 297 of the ASRGL1 protein (p.Ile297Val). The isoleucine residue is highly conserved and there is a small physicochemical difference between isoleucine and valine.